The following is an entry in ClinVar:

ClinVar aggregate classification (germline): Uncertain significance. Review status: criteria provided, multiple submitters, no conflicts (2 of 4 stars). 3 submissions from 3 submitters: Uncertain significance (3). Last evaluated 2025-06-07.

Conditions:
Hereditary cancer-predisposing syndrome. Also called: Tumor predisposition; Hereditary neoplastic syndrome; Hereditary Cancer Syndrome; Neoplastic Syndromes, Hereditary. Identifiers: Orphanet 140162, MedGen C0027672, MeSH D009386, MONDO:0015356.
Familial adenomatous polyposis 1 (FAP1). Also called: POLYPOSIS, ADENOMATOUS INTESTINAL; FAMILIAL ADENOMATOUS POLYPOSIS 1, ATTENUATED. Identifiers: MedGen C2713442, MONDO:0021056, OMIM 175100. Disease mechanism: loss of function.

Allele frequency attached by ClinVar (database versions not stated): TOPMed below 0.00001; gnomAD 0.00001.
gnomAD v4.1: 2 of 1,614,014 alleles (0.00012%); highest among the groups gnomAD compares: Non-Finnish European, 0.00017%; no homozygotes.

Submissions (3):

Labcorp Genetics (formerly Invitae), Labcorp
Classification: Uncertain significance for Familial adenomatous polyposis 1. Last evaluated: 2025-06-07. Review status: criteria provided, single submitter. Criteria: Invitae Variant Classification Sherloc (09022015). Collection method: clinical testing. Allele origin: germline.
Comment: This sequence change replaces threonine, which is neutral and polar, with alanine, which is neutral and non-polar, at codon 1556 of the APC protein (p.Thr1556Ala). This variant is not present in population databases (gnomAD no frequency). This variant has not been reported in the literature in individuals affected with APC-related conditions. ClinVar contains an entry for this variant (Variation ID: 577215). Invitae Evidence Modeling of protein sequence and biophysical properties (such as structural, functional, and spatial information, amino acid conservation, physicochemical variation, residue mobility, and thermodynamic stability) indicates that this missense variant is not expected to disrupt APC protein function with a negative predictive value of 95%. In summary, the available evidence is currently insufficient to determine the role of this variant in disease. Therefore, it has been classified as a Variant of Uncertain Significance.

Ambry Genetics
Classification: Uncertain significance for Hereditary cancer-predisposing syndrome. Last evaluated: 2024-08-09. Review status: criteria provided, single submitter. Criteria: Ambry Variant Classification Scheme 2023. Collection method: clinical testing. Allele origin: germline.
Comment: The p.T1556A variant (also known as c.4666A>G), located in coding exon 15 of the APC gene, results from an A to G substitution at nucleotide position 4666. The threonine at codon 1556 is replaced by alanine, an amino acid with similar properties. This amino acid position is conserved. In addition, in silico predictors for this gene do not accurately predict pathogenicity. Based on the available evidence, the clinical significance of this variant remains unclear.

GeneDx
Classification: Uncertain significance. Last evaluated: 2020-11-04. Review status: criteria provided, single submitter. Criteria: GeneDx Variant Classification Process June 2021. Collection method: clinical testing. Allele origin: germline. Affected: yes.
Comment: Not observed in large population cohorts (Lek 2016); In silico analysis supports that this missense variant does not alter protein structure/function; Has not been previously published as pathogenic or benign to our knowledge

NM_000038.6(APC):c.4666A>G (p.Thr1556Ala)

Gene: APC (APC regulator of Wnt signaling pathway; plus strand). Cytogenetic location: 5q22.2.
Variant type: single nucleotide variant.
Coding change: c.4666A>G on transcript NM_000038.6 (MANE Select); coding-DNA position 4666, A replaced by G.
Protein change: p.Thr1556Ala; replaces threonine 1556 with alanine.
Molecular consequence: missense variant.
Genome position (GRCh38, 1-based): chr5:112,840,260, A>G. VCF-style: chr5-112840260-A-G. GRCh37 (hg19) VCF-style: chr5-112175957-A-G.
Other names: c.4666A>G, p.Thr1556Ala (NM_001127510.3, NM_001354895.2); c.4612A>G, p.Thr1538Ala (NM_001127511.3); c.4720A>G, p.Thr1574Ala (NM_001354896.2); c.4696A>G, p.Thr1566Ala (NM_001354897.2); c.4591A>G, p.Thr1531Ala (NM_001354898.2); c.4582A>G, p.Thr1528Ala (NM_001354899.2); c.4543A>G, p.Thr1515Ala (NM_001354900.2); c.4489A>G, p.Thr1497Ala (NM_001354901.2); and 5 more; short protein forms T1538A, T1556A, T1430A, T1497A, T1528A, T1465A, T1574A, T1396A.
Identifiers: ClinVar variation 577215 (VCV000577215.13), dbSNP rs769631477, ClinGen allele CA16031562.